The following is an entry in ClinVar:

NM_021939.4(FKBP10):c.602A>C (p.Tyr201Ser)

Gene: FKBP10 (FKBP prolyl isomerase 10; plus strand). Cytogenetic location: 17q21.2.
Variant type: single nucleotide variant.
Coding change: c.602A>C on transcript NM_021939.4 (MANE Select); coding-DNA position 602, A replaced by C.
Protein change: p.Tyr201Ser; replaces tyrosine 201 with serine.
Molecular consequence: missense variant.
Genome position (GRCh38, 1-based): chr17:41,818,402, A>C. VCF-style: chr17-41818402-A-C. GRCh37 (hg19) VCF-style: chr17-39974654-A-C.
Other names: short protein forms Y201S.
Identifiers: ClinVar variation 1714134 (VCV001714134.5), dbSNP rs2544433515, ClinGen allele CA399514796.
Genomic context (GRCh38, chr17:41,818,402, plus strand): 5'-GCCCAGCCTGCCTCTCCCACCTCCACCTCATTTTCTGCAGCTACAGTAAGGGCGGCACTT[A>C]TGACACCTACGTCGGCTCTGGTTGGCTGATCAAGGGCATGGACCAGGGGCTGCTGGGCAT-3'
Protein context (NP_068758.3, residues 191-211): FDTSYSKGGT[Tyr201Ser]DTYVGSGWLI

ClinVar aggregate classification (germline): Uncertain significance (1 of 4 stars; one submission).

Submission:

Labcorp Genetics (formerly Invitae), Labcorp
Classification: Uncertain significance. Last evaluated: 2022-08-08. Review status: criteria provided, single submitter. Criteria: Invitae Variant Classification Sherloc (09022015). Collection method: clinical testing. Allele origin: germline.
Comment: Algorithms developed to predict the effect of missense changes on protein structure and function are either unavailable or do not agree on the potential impact of this missense change (SIFT: "Deleterious"; PolyPhen-2: "Probably Damaging"; Align-GVGD: "Class C0"). This sequence change replaces tyrosine, which is neutral and polar, with serine, which is neutral and polar, at codon 201 of the FKBP10 protein (p.Tyr201Ser). This variant is not present in population databases (gnomAD no frequency). This variant has not been reported in the literature in individuals affected with FKBP10-related conditions. In summary, the available evidence is currently insufficient to determine the role of this variant in disease. Therefore, it has been classified as a Variant of Uncertain Significance.